The following is an entry in ClinVar:

ClinVar aggregate classification (germline): Conflicting classifications of pathogenicity. Review status: criteria provided, conflicting classifications (1 of 4 stars). 2 submissions from 2 submitters: Likely pathogenic (1); Uncertain significance (1). Last evaluated 2024-05-01.

Allele frequency attached by ClinVar (database versions not stated): ExAC 0.00005; gnomAD 0.00013; TOPMed 0.00014; gnomAD exomes 0.00016; ESP Exome Variant Server 0.00033.
gnomAD v4.1: 246 of 1,613,546 alleles (0.015%); highest among the groups gnomAD compares: Non-Finnish European, 0.02%; no homozygotes.

Submissions (3):

CeGaT Center for Human Genetics Tuebingen
Classification: Uncertain significance. Last evaluated: 2024-05-01. Review status: criteria provided, single submitter. Criteria: CeGaT Center For Human Genetics Tuebingen Variant Classification Criteria Version 2. Collection method: clinical testing. Allele origin: germline. Affected: yes. Observed: 1 variant allele.
Comment: PPP1R12A: PVS1:Moderate

Labcorp Genetics (formerly Invitae), Labcorp
Classification: Likely pathogenic. Last evaluated: 2023-10-18. Review status: criteria provided, single submitter. Criteria: Invitae Variant Classification Sherloc (09022015). Collection method: clinical testing. Allele origin: germline.
Comment: This sequence change affects a donor splice site in intron 14 of the PPP1R12A gene. It is expected to disrupt RNA splicing. Variants that disrupt the donor or acceptor splice site typically lead to a loss of protein function (PMID: 16199547), and loss-of-function variants in PPP1R12A are known to be pathogenic (PMID: 31883643). This variant is present in population databases (rs61756421, gnomAD 0.02%). This variant has not been reported in the literature in individuals affected with PPP1R12A-related conditions. In summary, the currently available evidence indicates that the variant is pathogenic, but additional data are needed to prove that conclusively. Therefore, this variant has been classified as Likely Pathogenic.

Dr. Peter K. Rogan Lab, Western University
No classification provided (evidence only). Condition: Hepatocellular carcinoma. Review status: no classification provided. Collection method: in vitro. Allele origin: not applicable. Functional consequence: skipped exon, retained intron. Not counted in ClinVar's aggregate classification.

Literature cited by the submitters: PubMed 16199547 (cited by Labcorp Genetics (formerly Invitae), Labcorp); PubMed 31883643 (cited by Labcorp Genetics (formerly Invitae), Labcorp).

NM_002480.3(PPP1R12A):c.1823+2T>C

Gene: PPP1R12A (protein phosphatase 1 regulatory subunit 12A; minus strand). Cytogenetic location: 12q21.2.
Variant type: single nucleotide variant.
Coding change: c.1823+2T>C on transcript NM_002480.3 (MANE Select); the canonical splice donor site of the intron after coding-DNA position 1823, T replaced by C.
Molecular consequence: splice donor variant. On other transcripts: intron variant (1).
Genome position (GRCh38, 1-based): chr12:79,806,164, A>G on the plus strand (T>C on the coding strand, the complement: PPP1R12A is on the minus strand). VCF-style: chr12-79806164-A-G. GRCh37 (hg19) VCF-style: chr12-80199944-A-G.
Other names: c.1656-396T>C (NM_001244992.1); c.1823+2T>C (NM_001244990.2, NM_001143885.2); c.1562+2T>C (NM_001143886.2).
Identifiers: ClinVar variation 2715459 (VCV002715459.22), dbSNP rs61756421, ClinGen allele CA6699598.